The following is an entry in ClinVar:

ClinVar aggregate classification (germline): Pathogenic (1 of 4 stars; one submission).

Conditions:
Familial hypokalemia-hypomagnesemia (GTLMNS). Also called: gitelman syndrome; HYPOMAGNESEMIA-HYPOKALEMIA, PRIMARY RENOTUBULAR, WITH HYPOCALCIURIA; POTASSIUM AND MAGNESIUM DEPLETION. Identifiers: Orphanet 358, MedGen C0268450, MONDO:0009904, OMIM 263800.

Submission:

MVZ Medizinische Genetik Mainz
Classification: Pathogenic for Familial hypokalemia-hypomagnesemia. Last evaluated: 2025-11-05. Review status: criteria provided, single submitter. Criteria: UK Practice Guidelines For Variant Classification V4 01 2020. Collection method: clinical testing. Allele origin: germline. Inheritance: Autosomal recessive inheritance. Affected: yes. Observed: 1 variant allele.
Comment: ACMG Criteria: PVS1,PM2_SUP,PP4

NM_001126108.2(SLC12A3):c.800C>A (p.Ser267Ter)

Gene: SLC12A3 (solute carrier family 12 member 3; plus strand). Cytogenetic location: 16q13.
Variant type: single nucleotide variant.
Coding change: c.800C>A on transcript NM_001126108.2 (MANE Select); coding-DNA position 800, C replaced by A.
Protein change: p.Ser267Ter; replaces serine 267 with a stop codon.
Molecular consequence: nonsense.
Genome position (GRCh38, 1-based): chr16:56,870,684, C>A. VCF-style: chr16-56870684-C-A. GRCh37 (hg19) VCF-style: chr16-56904596-C-A.
Other names: c.800C>A, p.Ser267Ter (NM_000339.3); c.797C>A, p.Ser266Ter (NM_001126107.2, NM_001410896.1); short protein forms S266*, S267*.
Identifiers: ClinVar variation 4532211 (VCV004532211.1).